The following continues an entry in ClinVar:

NM_000350.3(ABCA4):c.3113C>T (p.Ala1038Val)

Gene: ABCA4. ClinVar aggregate classification (germline): Pathogenic/Likely pathogenic. Pathogenic (30); Likely pathogenic (6).

Submissions 9 to 25 of 50:

Laboratory of Genetics, Children's Clinical University Hospital Latvia
Classification: Pathogenic. Last evaluated: 2025-02-16. Review status: criteria provided, single submitter. Criteria: ACMG Guidelines, 2015. Collection method: clinical testing. Allele origin: germline. Affected: yes.

GeneDx
Classification: Pathogenic. Last evaluated: 2025-02-04. Review status: criteria provided, single submitter. Criteria: GeneDx Variant Classification Process June 2021. Collection method: clinical testing. Allele origin: germline. Affected: yes.
Comment: Functional studies demonstrate that the p.(L541P)/p.(A1038V) complex allele as well as the p.(L541P) and p.(A1038V) variants independently result in reduced ATPase activity; however, the affect of p.(A1038V) is milder compared to that of p.(L541P) alone or the p.(L541P)/p.(A1038V) complex allele (PMID: 25712131, 11017087, 16103129); In silico analysis indicates that this missense variant does not alter protein structure/function; This variant is associated with the following publications: (PMID: 37510321, 37498587, 35120629, 35260635, 36460718, 32307445, 36672815, 29701254, 35076026, 37217489, 33749171, 34906470, 14517951, 12754711, 22312191, 28118664, 28147405, 29145636, 28327576, 28041643, 28224992, 29555955, 30093795, 38003421, 37734845, 31429209, 32531858, 25087612, 9054934, 16103129, 15494742, 9466990, 19074458, 19217903, 24509150, 23918662, 15579991, 26229699, 28044389, 26593885, 25910913, 28947085, 29847635, 29068140, 29925512, 30653986, 31456290, 34313030, 34327195, 34426522, 34008801, 33851411, 31589614, 33369172, 32037395, 30609409, 30204727, 30643219, 32581362, 32815999, 30718709, 30215852, 28559085, 32141364, 31980526, 32619608, 35836572, 35119454, Piccolo2022[abstract], 34946930, 34315337, 34647987, 10958763, 25712131, 11017087, 11527935, 11328725, 38064509)

First Genomix Gene Laboratory, Genetic Diagnostics Department
Classification: Pathogenic for Severe early-childhood-onset retinal dystrophy; Retinitis pigmentosa 19. Last evaluated: 2025-01-06. Review status: criteria provided, single submitter. Criteria: ACMG Guidelines, 2015. Collection method: clinical testing. Allele origin: germline. Inheritance: Autosomal recessive inheritance. Affected: no. Observed: 1 variant allele.

CeGaT Center for Human Genetics Tuebingen
Classification: Pathogenic. Last evaluated: 2025-01-01. Review status: criteria provided, single submitter. Criteria: CeGaT Center For Human Genetics Tuebingen Variant Classification Criteria Version 2. Collection method: clinical testing. Allele origin: germline. Affected: yes. Observed: 31 variant alleles.
Comment: ABCA4: PM3:Very Strong, PM1, PM2:Supporting, PS3:Supporting, BP4

Blueprint Genetics
Classification: Pathogenic for ABCA4-related disorders. Last evaluated: 2024-11-26. Review status: criteria provided, single submitter. Criteria: ACMG Guidelines, 2015. Collection method: clinical testing. Allele origin: germline. Affected: yes. Observed: 5 variant alleles.

Revvity Omics, Revvity
Classification: Pathogenic. Last evaluated: 2024-11-06. Review status: criteria provided, single submitter. Criteria: ACMG Guidelines, 2015. Collection method: clinical testing. Allele origin: germline.

Fulgent Genetics
Classification: Pathogenic for Age related macular degeneration 2; Severe early-childhood-onset retinal dystrophy; Retinitis pigmentosa 19; Cone-rod dystrophy 3. Last evaluated: 2024-05-22. Review status: criteria provided, single submitter. Criteria: ACMG Guidelines, 2015. Collection method: clinical testing. Allele origin: germline.

Laboratory for Molecular Medicine, Mass General Brigham Personalized Medicine
Classification: Likely pathogenic for Stargardt disease. Last evaluated: 2024-02-21. Review status: criteria provided, single submitter. Criteria: ACMG Guidelines, 2015. Collection method: clinical testing. Allele origin: germline. Inheritance: Autosomal recessive inheritance.
Comment: The p.Ala1038Val variant in ABCA4 has been reported in >10 individuals with Stargardt disease in the compound heterozygous state. In many cases, it co-occurred with another pathogenic variant (p.Leu541Pro) as a complex allele, however it has also been found with other pathogenic variants in the absence of the Leu541Pro variant (Allikmets 1997 PMID: 9054934, Cremers 1998 PMID: 9466990, Maugeri 1999 PMID: 10090887, Rivera 2000 PMID: 10958763, Simonelli 2000 PMID: 10711710, Oh 2004 PMID: 15579991, Cella 2009 PMID: 19217903, Burke 2012 PMID: 22312191, Sciezynska 2016 PMID: 26593885, Jespersgaard 2019 PMID: 30718709). The complex allele with Leu541Pro has been associated with an earlier onset and more severe course of the disease, while the p.Ala1038Val variant alone has been linked to a milder presentation (Zhang 2015 PMID: 25712131). It also segregated with disease in at least 1 affected relative from 1 family (Burke 2012 PMID: 22312191). This variant has also been identified in the general population with the highest frequency found at 0.55% (353/64030) of Finnish chromosomes, including 7 total homozygotes by gnomAD (v.4.0.0). In vitro functional studies provide some evidence that the p.Ala1038Val variant may impact protein function (Sun 2000 PMID: 11017087) and animal models in mice and frogs have shown that the complex variant with p.Leu541Pro causes Stargardt disease (Wiszniewski 2005 PMID: 16103129, Zhang 2015 PMID: 25712131). In summary, although additional studies are required to fully establish its clinical significance, this variant is a mild allele that meets criteria to be classified as likely pathogenic for autosomal recessive Stargardt disease and is not expected to cause disease in the homozygous state. It is expected to cause more severe disease when in compound heterozygosity with a more severe allele (such as a loss of function variant). ACMG/AMP Criteria applied: PM3_Strong, PP1, PS3_Supporting.

Department of Pathology and Laboratory Medicine, Sinai Health System
Classification: Pathogenic for Retinitis pigmentosa 19; Cone-rod dystrophy 3. Last evaluated: 2023-02-21. Review status: criteria provided, single submitter. Criteria: ACMG Guidelines, 2015. Collection method: research. Allele origin: germline.

Institute of Human Genetics, University of Leipzig Medical Center
Classification: Pathogenic for Severe early-childhood-onset retinal dystrophy. Last evaluated: 2023-01-31. Review status: criteria provided, single submitter. Criteria: ACMG Guidelines, 2015. Collection method: clinical testing. Allele origin: unknown. Affected: yes.
Comment: this variant was identified together with NM_000350.3:c.3113C>T, NM_000350.3:c.2588G>C, NM_000350.3:c.5693G>A and NM_000350.3:c.1411G>A. Criteria applied: PM3_VSTR, PS3_MOD

Institute of Human Genetics, Univ. Regensburg, Univ. Regensburg
Classification: Pathogenic for Optic atrophy. Last evaluated: 2023-01-01. Review status: criteria provided, single submitter. Criteria: ACMG Guidelines, 2015. Collection method: clinical testing. Allele origin: germline. Affected: yes.

Institute of Human Genetics, Univ. Regensburg, Univ. Regensburg
Classification: Pathogenic for Retinal dystrophy. Last evaluated: 2023-01-01. Review status: criteria provided, single submitter. Criteria: ACMG Guidelines, 2015. Collection method: clinical testing. Allele origin: germline. Affected: yes.

MGZ Medical Genetics Center
Classification: Pathogenic for Severe early-childhood-onset retinal dystrophy. Last evaluated: 2022-08-11. Review status: criteria provided, single submitter. Criteria: ACMG Guidelines, 2015. Collection method: clinical testing. Allele origin: germline. Affected: yes. Observed: 4 variant alleles.
Comment: ACMG criteria applied: PM3_VSTR, PS3_MOD, PP1

Clinical Genetics Laboratory, Skane University Hospital Lund
Classification: Pathogenic. Last evaluated: 2022-07-13. Review status: criteria provided, single submitter. Criteria: ACMG Guidelines, 2015. Collection method: clinical testing. Allele origin: germline. Affected: yes.

Mendelics
Classification: Pathogenic for Age related macular degeneration 2. Last evaluated: 2022-05-04. Review status: criteria provided, single submitter. Criteria: Mendelics Assertion Criteria 2019. Collection method: clinical testing. Allele origin: germline.

Institute of Human Genetics, University of Leipzig Medical Center
Classification: Likely pathogenic for Macular dystrophy. Last evaluated: 2021-11-22. Review status: criteria provided, single submitter. Criteria: ACMG Guidelines, 2015. Collection method: clinical testing. Allele origin: unknown. Affected: yes.
Comment: _x000D_This variant was identified aspotentially compound heterozygous withNM_000350.3:c.1622T>C and NM_000350.3:c.5882G>A. Criteria applied: PM3_VSTR, PS3_MOD, PP3

Victorian Clinical Genetics Services, Murdoch Childrens Research Institute
Classification: Pathogenic for Severe early-childhood-onset retinal dystrophy. Last evaluated: 2021-05-06. Review status: criteria provided, single submitter. Criteria: ACMG Guidelines, 2015. Collection method: clinical testing. Allele origin: germline. Inheritance: Autosomal recessive inheritance.
Comment: Based on the classification scheme VCGS_Germline_v1.3.4, this variant is classified as Pathogenic. Following criteria are met: 0102 - Loss of function is a known mechanism of disease in this gene and is associated with Stargardt disease 1 (MIM#248200). (I) 0106 - This gene is associated with autosomal recessive disease. (I) 0115 - Variants in this gene are known to have variable expressivity. Affected siblings can have variable age of onset and severity of disease (PMID:31522899). (I) 0200 - Variant is predicted to result in a missense amino acid change from alanine to valine. (I) 0251 - This variant is heterozygous. (I) 0304 - Variant is present in gnomAD <0.01 for a recessive condition (v2) (492 heterozygotes, 2 homozygotes). (SP) 0502 - Missense variant with conflicting in silico predictions and uninformative conservation. (I) 0600 - Variant is located in the annotated ABC transporter domain (Pfam). (I) 0705 - No comparable missense variants have previous evidence for pathogenicity. (I) 0801 - This variant has strong previous evidence of pathogenicity in unrelated individuals. This variant is very well reported (>20 times) in Stargardt disease patients. It usually occurs in cis with L541P as a more severe complex allele (German founder allele) but it has also been reported by itself with another pathogenic variant in trans with later onset disease. (ClinVar, PMID: 28118664, PMID 30718709) (SP) 1002 - This variant has moderate functional evidence supporting abnormal protein function causing mild disease. Using transfected HEK293 cells the authors demonstrated that this variant slightly reduced ATPase activity and that the mutant protein retained major structural features similar to that of wild-type (PMID: 25712131). (SP) Legend: (SP) - Supporting pathogenic, (I) - Information, (SB) - Supporting benign